The following is an entry in ClinVar:

ClinVar aggregate classification (germline): Uncertain significance (1 of 4 stars; one submission).

Conditions:
Microcephaly-intellectual disability-sensorineural hearing loss-epilepsy-abnormal muscle tone syndrome (NEDHSB). Also called: NEURODEVELOPMENTAL DISORDER WITH HEARING LOSS, SEIZURES, AND BRAIN ABNORMALITIES. Identifiers: Orphanet 457351, MedGen C4225276, MONDO:0014698, OMIM 616577.

Submission:

Labcorp Genetics (formerly Invitae), Labcorp
Classification: Uncertain significance for Microcephaly-intellectual disability-sensorineural hearing loss-epilepsy-abnormal muscle tone syndrome. Last evaluated: 2021-06-28. Review status: criteria provided, single submitter. Criteria: Invitae Variant Classification Sherloc (09022015). Collection method: clinical testing. Allele origin: germline.
Comment: In summary, the available evidence is currently insufficient to determine the role of this variant in disease. Therefore, it has been classified as a Variant of Uncertain Significance. Advanced modeling of protein sequence and biophysical properties (such as structural, functional, and spatial information, amino acid conservation, physicochemical variation, residue mobility, and thermodynamic stability) performed at Invitae indicates that this missense variant is not expected to disrupt SPATA5 protein function. This variant has not been reported in the literature in individuals affected with SPATA5-related conditions. This variant is not present in population databases (ExAC no frequency). This sequence change replaces glutamic acid with alanine at codon 875 of the SPATA5 protein (p.Glu875Ala). The glutamic acid residue is moderately conserved and there is a moderate physicochemical difference between glutamic acid and alanine.

NM_145207.3(AFG2A):c.2624A>C (p.Glu875Ala)

Gene: AFG2A (AAA ATPase AFG2A; plus strand). Cytogenetic location: 4q28.1.
Variant type: single nucleotide variant.
Coding change: c.2624A>C on transcript NM_145207.3 (MANE Select); coding-DNA position 2624, A replaced by C.
Protein change: p.Glu875Ala; replaces glutamic acid 875 with alanine.
Molecular consequence: missense variant.
Genome position (GRCh38, 1-based): chr4:123,314,006, A>C. VCF-style: chr4-123314006-A-C. GRCh37 (hg19) VCF-style: chr4-124235161-A-C.
Other names: c.2621A>C, p.Glu874Ala (NM_001345856.2); short protein forms E874A, E875A.
Identifiers: ClinVar variation 1435700 (VCV001435700.7), dbSNP rs1191156431, ClinGen allele CA358228910.
Genomic context (GRCh38, chr4:123,314,006, plus strand): 5'-ATCTCATCATGAAAAGACATTTCACTCAGGCCTTGAGCACTGTGACACCTAGAATTCCTG[A>C]GTCATTGAGACGTTTTTATGAAGATTATCAAGAGAAGAGTGGGCTGCATACACTCTGAGA-3'
Protein context (NP_660208.2, residues 865-885): ALSTVTPRIP[Glu875Ala]SLRRFYEDYQ